The following is an entry in ClinVar:

NC_012920.1(MT-CO3):m.9237G>A

Gene: MT-CO3 (mitochondrially encoded cytochrome c oxidase III; plus strand).
Variant type: single nucleotide variant.
Genome position: chrM-9237-G-A.
Identifiers: ClinVar variation 370052 (VCV000370052.4), dbSNP rs1057516064, ClinGen allele CA16040652.

ClinVar aggregate classification (germline): Uncertain significance. Review status: reviewed by expert panel (3 of 4 stars). 3 submissions from 3 submitters: Uncertain significance (1). 2 of the submissions do not count toward it. Last evaluated 2024-12-03.

Conditions:
Mitochondrial encephalopathy. Identifiers: MedGen C1852373, HP:0006789.
Epilepsy. Also called: Seizure disorder. Identifiers: MedGen C0014544, MeSH D004827, MONDO:0005027.
Developmental delay. Also called: Delayed development. Identifiers: MedGen C0424605.
Mitochondrial disease. Also called: Mitochondrial disorder; Mitochondrial disorders. Identifiers: Orphanet 68380, MedGen C0751651, MeSH D028361, MONDO:0044970.
Leber optic atrophy (LHON). Also called: Leber hereditary optic neuropathy; Leber's disease; Optic Atrophy, Hereditary, Leber; Leber's optic atrophy. Identifiers: Orphanet 104, MedGen C0917796, MONDO:0010788, OMIM 535000, HP:0001112.

Submissions (3):

ClinGen Mitochondrial Disease Nuclear and Mitochondrial  Variant Curation Expert Panel, ClinGen
Classification: Uncertain significance for Mitochondrial disease. Last evaluated: 2024-12-03. Review status: reviewed by expert panel. Criteria: clingen mito disease acmg specifications v1-1. Collection method: curation. Allele origin: germline. Inheritance: Mitochondrial inheritance.
Comment: The m.9237G>A (p.Val11Met) variant in MT-CO3 has been reported in one individual with primary mitochondrial disease (PMID: 28027978). This individual had mitochondrial encephalopathy, epilepsy, and developmental delay. The heteroplasmy level was not reported. This variant is absent in the GenBank dataset and gnomAD v3.1.2, and there is one heteroplasmic occurrence in the Helix dataset (PM2_supporting). The computational predictor APOGEE1 gives a consensus rating of pathogenic with a score of 0.54 (Min=0, Max=1) however APOGEE2 gives a score of 0.458 consistent with uncertain significance. There are no single fiber studies or other functional assays reported for this variant. In summary, this variant meets criteria to be classified as uncertain significance for primary mitochondrial disease inherited in a mitochondrial manner. This classification was approved by the NICHD/NINDS U24 ClinGen Mitochondrial Disease Variant Curation Expert Panel on December 3, 2024. Mitochondrial DNA-specific ACMG/AMP criteria applied (PMID: 32906214): PM2_supporting.

Mendelics
Classification: Pathogenic for Leber optic atrophy. Last evaluated: 2022-05-04. Review status: criteria provided, single submitter. Criteria: Mendelics Assertion Criteria 2019. Collection method: clinical testing. Allele origin: germline. Not counted in ClinVar's aggregate classification.

Center for Neuroscience and Cell Biology, University of Coimbra, Portugal
Classification: Likely pathogenic for Mitochondrial Encephalopathy; Epilepsy; Developmental delay. Last evaluated: 2016-11-21. Review status: no assertion criteria provided. Collection method: clinical testing. Allele origin: unknown. Affected: yes. Observed: 1 variant allele. Not counted in ClinVar's aggregate classification.

Literature cited by the submitters: PubMed 28027978 (cited by Center for Neuroscience and Cell Biology, University of Coimbra, Portugal).